The following is an entry in ClinVar:

NM_000138.5(FBN1):c.2434G>A (p.Glu812Lys)

Gene: FBN1 (fibrillin 1; minus strand). Cytogenetic location: 15q21.1.
Variant type: single nucleotide variant.
Coding change: c.2434G>A on transcript NM_000138.5 (MANE Select); coding-DNA position 2434, G replaced by A.
Protein change: p.Glu812Lys; replaces glutamic acid 812 with lysine.
Molecular consequence: missense variant.
Genome position (GRCh38, 1-based): chr15:48,495,574, C>T on the plus strand (G>A on the coding strand, the complement: FBN1 is on the minus strand). VCF-style: chr15-48495574-C-T. GRCh37 (hg19) VCF-style: chr15-48787771-C-T.
Other names: p.E812K:GAA>AAA; short protein forms E812K.
Identifiers: ClinVar variation 199997 (VCV000199997.36), dbSNP rs201778577, ClinGen allele CA013064.
Genomic context (GRCh38, chr15:48,495,574, plus strand): 5'-ATTCACAAATAAAAGAGCCTGGGCTGTTCTTGCAGACTCCATTAATGCAAGGACTTGATT[C>T]GCATTCATCAATGTCTGAAACAAAAACAGGTCTACATTACTGCTAAAATCTAGTCTTGGG-3'
Protein context (NP_000129.3, residues 802-822): LKTCEDIDEC[Glu812Lys]SSPCINGVCK

ClinVar aggregate classification (germline): Conflicting classifications of pathogenicity. Review status: criteria provided, conflicting classifications (1 of 4 stars). 11 submissions from 11 submitters: Uncertain significance (8); Likely benign (2). 1 of the submissions does not count toward it. Last evaluated 2025-12-08.

Conditions:
Marfan syndrome (MFS). Also called: Marfan syndrome, classic; FBN1-Related Marfan Syndrome; Marfan syndrome type 1; Marfan's syndrome; MARFAN SYNDROME, TYPE I. Identifiers: Orphanet 284963, Orphanet 558, MedGen C0024796, MONDO:0007947, OMIM 154700.
MASS syndrome (OCTD). Also called: OVERLAP CONNECTIVE TISSUE DISEASE; MASS PHENOTYPE. Identifiers: MedGen C1858556, MONDO:0011431, OMIM 604308.
Weill-Marchesani syndrome 2, dominant. Also called: Weill-Marchesani Syndrome, Autosomal Dominant; FBN1-Related Weill-Marchesani Syndrome. Identifiers: Orphanet 2084, MedGen C1869115, MONDO:0012013, OMIM 608328.
Acromicric dysplasia (ACMICD). Also called: Acromicric skeletal dysplasia. Identifiers: Orphanet 969, MedGen C0265287, MONDO:0007055, OMIM 102370.
Ectopia lentis 1, isolated, autosomal dominant (ECTOL1). Identifiers: Orphanet 1885, MedGen C3541518, MONDO:0007514, OMIM 129600.
Stiff skin syndrome (SSKS). Identifiers: Orphanet 2833, MedGen C1861456, MONDO:0008492, OMIM 184900.
Geleophysic dysplasia 2 (GPHYSD2). Identifiers: Orphanet 2623, MedGen C3280054, MONDO:0013612, OMIM 614185.
Progeroid and marfanoid aspect-lipodystrophy syndrome. Also called: MARFANOID-PROGEROID SYNDROME; MARFAN-PROGEROID-LIPODYSTROPHY SYNDROME; Marfan lipodystrophy syndrome; MARFANOID-PROGEROID-LIPODYSTROPHY SYNDROME. Identifiers: Orphanet 300382, MedGen C4310796, MONDO:0014831, OMIM 616914.
Familial thoracic aortic aneurysm and aortic dissection (TAAD). Also called: Thoracic aortic aneurysms and dissections. Identifiers: Orphanet 91387, MedGen C4707243, MONDO:0019625.

Allele frequency attached by ClinVar (database versions not stated): gnomAD 0.00006 and 0.00005; TOPMed 0.00002; ExAC 0.00002; gnomAD exomes 0.00004 and 0.00003.
gnomAD v4.1: 63 of 1,613,876 alleles (0.0039%); highest among the groups gnomAD compares: Admixed American, 0.017%; no homozygotes.

Submissions (11):

Labcorp Genetics (formerly Invitae), Labcorp
Classification: Likely benign for Marfan syndrome; Familial thoracic aortic aneurysm and aortic dissection. Last evaluated: 2025-12-08. Review status: criteria provided, single submitter. Criteria: Invitae Variant Classification Sherloc (09022015). Collection method: clinical testing. Allele origin: germline.

Dasa
Classification: Uncertain significance. Last evaluated: 2025-11-11. Review status: criteria provided, single submitter. Criteria: DASA Assertion Criteria. Collection method: clinical testing. Allele origin: germline.
Comment: NM_000138.5(FBN1):c.2434G>A (p.Glu812Lys) is a missense variant that results in the substitution of glutamic acid with lysine. This variant is rare in population databases. The currently available literature and clinical evidence are not sufficient to establish a definitive association between this variant and the reported condition. Therefore, this variant is classified as a variant of uncertain significance.

Ambry Genetics
Classification: Uncertain significance for Familial thoracic aortic aneurysm and aortic dissection. Last evaluated: 2025-03-06. Review status: criteria provided, single submitter. Criteria: Ambry Variant Classification Scheme 2023. Collection method: clinical testing. Allele origin: germline.
Comment: The p.E812K variant (also known as c.2434G>A), located in coding exon 20 of the FBN1 gene, results from a G to A substitution at nucleotide position 2434. The glutamic acid at codon 812 is replaced by lysine, an amino acid with similar properties. This amino acid position is well conserved in available vertebrate species. In addition, the in silico prediction for this alteration is inconclusive. Based on the available evidence, the clinical significance of this variant remains unclear.

Color Diagnostics, LLC DBA Color Health
Classification: Likely benign for Familial thoracic aortic aneurysm and aortic dissection. Last evaluated: 2024-04-04. Review status: criteria provided, single submitter. Criteria: ACMG Guidelines, 2015. Collection method: clinical testing. Allele origin: germline.

All of Us Research Program, National Institutes of Health
Classification: Uncertain significance for Marfan syndrome. Last evaluated: 2024-02-05. Review status: criteria provided, single submitter. Criteria: ACMG Guidelines, 2015. Collection method: clinical testing. Allele origin: germline. Inheritance: Autosomal dominant inheritance. Observed: 16 variant alleles, 16 heterozygotes.
Comment: This missense variant replaces glutamic acid with lysine at codon 812 of the FBN1 protein. Computational prediction suggests that this variant may not impact protein structure and function (internally defined REVEL score threshold <= 0.5, PMID: 27666373). To our knowledge, functional studies have not been reported for this variant. This variant has not been reported in individuals affected with cardiovascular disorders in the literature. This variant has been identified in 11/282390 chromosomes in the general population by the Genome Aggregation Database (gnomAD). The available evidence is insufficient to determine the role of this variant in disease conclusively. Therefore, this variant is classified as a Variant of Uncertain Significance.

This study involves interpretation of variants in research participants for the purpose of population health screening. Participant phenotype was not available at the time of variant classification. Additional details can be found in publication PMID: 35346344, PMCID: PMC8962531

Women's Health and Genetics/Laboratory Corporation of America, LabCorp
Classification: Uncertain significance. Last evaluated: 2024-02-05. Review status: criteria provided, single submitter. Criteria: LabCorp Variant Classification Summary - May 2015. Collection method: clinical testing. Allele origin: germline.
Comment: Variant summary: FBN1 c.2434G>A (p.Glu812Lys) results in a conservative amino acid change located in the EGF like domain (IPR000742) of the encoded protein sequence. Four of five in-silico tools predict a benign effect of the variant on protein function. The variant allele was found at a frequency of 3.9e-05 in 1613876 control chromosomes (gnomAD). This frequency is not significantly higher than estimated for a pathogenic variant in FBN1 causing Aortopathy (3.9e-05 vs 0.00011), allowing no conclusion about variant significance. To our knowledge, no occurrence of c.2434G>A in individuals affected with Aortopathy and no experimental evidence demonstrating its impact on protein function have been reported. ClinVar contains an entry for this variant (Variation ID: 199997). Based on the evidence outlined above, the variant was classified as uncertain significance.

Blueprint Genetics
Classification: Uncertain significance. Last evaluated: 2023-11-23. Review status: criteria provided, single submitter. Criteria: ACMG Guidelines, 2015. Collection method: clinical testing. Allele origin: germline.

ARUP Laboratories, Molecular Genetics and Genomics, ARUP Laboratories
Classification: Uncertain significance. Last evaluated: 2023-10-04. Review status: criteria provided, single submitter. Criteria: ARUP Molecular Germline Variant Investigation Process 2024. Collection method: clinical testing. Allele origin: germline.
Comment: The FBN1 c.2434G>A; p.Glu812Lys variant (rs201778577), to our knowledge, is not described in the medical literature but is reported as a variant of uncertain significance in ClinVar (Variation ID: 199997). It is observed in the general population at an overall frequency of 0.004% (11/282390 alleles) in the Genome Aggregation Database. Computational analyses are uncertain whether this variant is neutral or deleterious (REVEL: 0.302). While present in the EGF domain, this variant does not disrupt the EGF consensus motif, and therefore does not meet the automatic threshold for Ghent criteria. Due to limited information, the clinical significance of this variant is uncertain at this time.

GeneDx
Classification: Uncertain significance. Last evaluated: 2023-09-22. Review status: criteria provided, single submitter. Criteria: GeneDx Variant Classification Process June 2021. Collection method: clinical testing. Allele origin: germline. Affected: yes.
Comment: Has not been previously published as pathogenic or benign to our knowledge; In silico analysis supports that this missense variant does not alter protein structure/function; Although located in a calcium-binding EGF-like domain of the FBN1 gene, it does not affect a cysteine residue within this domain; cysteine substitutions in the calcium-binding EGF-like domains represent the majority of pathogenic missense changes associated with FBN1-related disorders (Collod-Beroud et al., 2003).; This variant is associated with the following publications: (PMID: 12938084)

Fulgent Genetics
Classification: Uncertain significance for Acromicric dysplasia; Ectopia lentis 1, isolated, autosomal dominant; Marfan syndrome; Stiff skin syndrome; MASS syndrome; Weill-Marchesani syndrome 2, dominant; Geleophysic dysplasia 2; Progeroid and marfanoid aspect-lipodystrophy syndrome. Last evaluated: 2021-09-04. Review status: criteria provided, single submitter. Criteria: ACMG Guidelines, 2015. Collection method: clinical testing. Allele origin: unknown.

Center for Medical Genetics Ghent, University of Ghent
Classification: Uncertain significance for Marfan syndrome. Last evaluated: 2017-11-07. Review status: no assertion criteria provided. Collection method: clinical testing. Allele origin: germline. Affected: yes. Not counted in ClinVar's aggregate classification.